The following is an entry in ClinVar:

NM_138713.4(NFAT5):c.2981C>A (p.Thr994Asn)

Gene: NFAT5 (nuclear factor of activated T cells 5; plus strand). Cytogenetic location: 16q22.1.
Variant type: single nucleotide variant.
Coding change: c.2981C>A on transcript NM_138713.4 (MANE Select); coding-DNA position 2981, C replaced by A.
Protein change: p.Thr994Asn; replaces threonine 994 with asparagine.
Molecular consequence: missense variant.
Genome position (GRCh38, 1-based): chr16:69,692,806, C>A. VCF-style: chr16-69692806-C-A. GRCh37 (hg19) VCF-style: chr16-69726709-C-A.
Other names: c.2978C>A, p.Thr993Asn (NM_001113178.3); c.2306C>A, p.Thr769Asn (NM_001367709.1); c.2927C>A, p.Thr976Asn (NM_006599.4); c.2699C>A, p.Thr900Asn (NM_138714.4, NM_173214.3, NM_173215.3); short protein forms T769N, T976N, T993N, T994N, T900N.
Identifiers: ClinVar variation 1425348 (VCV001425348.8), dbSNP rs779718608, ClinGen allele CA396511985.

ClinVar aggregate classification (germline): Uncertain significance (1 of 4 stars; one submission).

Conditions:
Immunodeficiency. Identifiers: MedGen C0021051, MONDO:0021094, HP:0002721.

Allele frequency attached by ClinVar (database versions not stated): TOPMed below 0.00001; gnomAD 0.00001.
gnomAD v4.1: 1 of 1,614,092 alleles (0.000062%); highest among the groups gnomAD compares: Non-Finnish European, 0.000085%; no homozygotes.

Submission:

Labcorp Genetics (formerly Invitae), Labcorp
Classification: Uncertain significance for Immunodeficiency. Last evaluated: 2023-06-13. Review status: criteria provided, single submitter. Criteria: Invitae Variant Classification Sherloc (09022015). Collection method: clinical testing. Allele origin: germline.
Comment: This variant is not present in population databases (gnomAD no frequency). This sequence change replaces threonine, which is neutral and polar, with asparagine, which is neutral and polar, at codon 900 of the NFAT5 protein (p.Thr900Asn). This variant has not been reported in the literature in individuals affected with NFAT5-related conditions. ClinVar contains an entry for this variant (Variation ID: 1425348). Algorithms developed to predict the effect of missense changes on protein structure and function output the following: SIFT: "Not Available"; PolyPhen-2: "Benign"; Align-GVGD: "Not Available". The asparagine amino acid residue is found in multiple mammalian species, which suggests that this missense change does not adversely affect protein function. In summary, the available evidence is currently insufficient to determine the role of this variant in disease. Therefore, it has been classified as a Variant of Uncertain Significance.